The following is an entry in ClinVar:

NM_173354.5(SIK1):c.698G>A (p.Arg233Lys)

Gene: SIK1 (salt inducible kinase 1; minus strand). Cytogenetic location: 21q22.3.
Variant type: single nucleotide variant.
Coding change: c.698G>A on transcript NM_173354.5 (MANE Select); coding-DNA position 698, G replaced by A.
Protein change: p.Arg233Lys; replaces arginine 233 with lysine.
Molecular consequence: missense variant.
Genome position (GRCh38, 1-based): chr21:43,421,060, C>T on the plus strand (G>A on the coding strand, the complement: SIK1 is on the minus strand). VCF-style: chr21-43421060-C-T. GRCh37 (hg19) VCF-style: chr21-44840940-C-T.
Other names: short protein forms R233K.
Identifiers: ClinVar variation 1311451 (VCV001311451.9), dbSNP rs2146473283, ClinGen allele CA410609608.

ClinVar aggregate classification (germline): Uncertain significance. Review status: criteria provided, multiple submitters, no conflicts (2 of 4 stars). 2 submissions from 2 submitters: Uncertain significance (2). Last evaluated 2024-12-02.

Conditions:
Developmental and epileptic encephalopathy, 30 (DEE30). Also called: Epileptic encephalopathy, early infantile, 30. Identifiers: MedGen C4225360, MONDO:0014595, OMIM 616341.

Submissions (2):

Labcorp Genetics (formerly Invitae), Labcorp
Classification: Uncertain significance for Developmental and epileptic encephalopathy, 30. Last evaluated: 2024-12-02. Review status: criteria provided, single submitter. Criteria: Invitae Variant Classification Sherloc (09022015). Collection method: clinical testing. Allele origin: germline.
Comment: This sequence change replaces arginine, which is basic and polar, with lysine, which is basic and polar, at codon 233 of the SIK1 protein (p.Arg233Lys). This variant is not present in population databases (gnomAD no frequency). This variant has not been reported in the literature in individuals affected with SIK1-related conditions. ClinVar contains an entry for this variant (Variation ID: 1311451). Invitae Evidence Modeling of protein sequence and biophysical properties (such as structural, functional, and spatial information, amino acid conservation, physicochemical variation, residue mobility, and thermodynamic stability) indicates that this missense variant is not expected to disrupt SIK1 protein function with a negative predictive value of 95%. In summary, the available evidence is currently insufficient to determine the role of this variant in disease. Therefore, it has been classified as a Variant of Uncertain Significance.

GeneDx
Classification: Uncertain significance. Last evaluated: 2019-12-26. Review status: criteria provided, single submitter. Criteria: GeneDx Variant Classification Process June 2021. Collection method: clinical testing. Allele origin: germline. Affected: yes.
Comment: Not observed in large population cohorts (Lek et al., 2016); In silico analysis, which includes protein predictors and evolutionary conservation, supports that this variant does not alter protein structure/function; Has not been previously published as pathogenic or benign to our knowledge